The following is an entry in ClinVar:

NM_004699.4(FAM50A):c.761A>G (p.Glu254Gly)

Gene: FAM50A (family with sequence similarity 50 member A; plus strand). Cytogenetic location: Xq28.
Variant type: single nucleotide variant.
Coding change: c.761A>G on transcript NM_004699.4 (MANE Select); coding-DNA position 761, A replaced by G.
Protein change: p.Glu254Gly; replaces glutamic acid 254 with glycine.
Molecular consequence: missense variant.
Genome position (GRCh38, 1-based): chrX:154,449,716, A>G. VCF-style: chrX-154449716-A-G. GRCh37 (hg19) VCF-style: chrX-153678064-A-G.
Other names: short protein forms E254G.
Identifiers: ClinVar variation 872938 (VCV000872938.1), dbSNP rs2068797150, ClinGen allele CA415219382.
Genomic context (GRCh38, chrX:154,449,716, plus strand): 5'-ACGCCCTCCTGCCTTCCTCCCTCAGGTCCGCAGGGGTGGAGCAGCTCATGTACATCAAGG[A>G]GGACTTGATCATCCCTCACGTGAGTCCCTTCAGCCCCAGTACCCGCAGTGGGTGCAGCAC-3'
Protein context (NP_004690.1, residues 244-264): AGVEQLMYIK[Glu254Gly]DLIIPHHHSF

ClinVar aggregate classification (germline): Likely pathogenic. Review status: criteria provided, single submitter (1 of 4 stars). 2 submissions from 2 submitters: Likely pathogenic (1). 1 of the submissions does not count toward it. Last evaluated 2020-05-08.

Conditions:
Armfield syndrome (MRXSA). Identifiers: Orphanet 85276, MedGen C1846057, MONDO:0010284, OMIM 300261.

Submissions (2):

GeneDx
Classification: Likely pathogenic. Last evaluated: 2020-05-08. Review status: criteria provided, single submitter. Criteria: GeneDx Variant Classification (06012015). Collection method: clinical testing. Allele origin: germline. Affected: yes.
Comment: The E254G variant in the FAM50A gene has been observed as a de novo hemizygous variant in GeneDx whole exome sequencing data in association with global developmental delay, short stature, dysmorphic features, and strabismus. The E254G variant is not observed in large population cohorts (Lek et al., 2016). In silico analysis supports that this missense variant has a deleterious effect on protein structure/function. Therefore, we interpret E254G as a likely pathogenic variant.

OMIM
Classification: Pathogenic for INTELLECTUAL DEVELOPMENTAL DISORDER, X-LINKED, SYNDROMIC, ARMFIELD TYPE. Last evaluated: 2020-08-27. Review status: no assertion criteria provided. Collection method: literature only. Allele origin: germline. Not counted in ClinVar's aggregate classification.

Literature cited by the submitters: PubMed 32703943 (cited by OMIM).